The following is an entry in ClinVar:

ClinVar aggregate classification (germline): Uncertain significance (1 of 4 stars; one submission).

Conditions:
Intellectual disability, autosomal recessive 53 (NEDHSCA). Also called: GLYCOSYLPHOSPHATIDYLINOSITOL BIOSYNTHESIS DEFECT 13; Mental retardation, autosomal recessive 53; NEURODEVELOPMENTAL DISORDER WITH OR WITHOUT HYPOTONIA, SEIZURES, AND CEREBELLAR ATROPHY. Identifiers: Orphanet 488635, MedGen C4310794, MONDO:0014832, OMIM 616917.

Allele frequency attached by ClinVar (database versions not stated): gnomAD 0.00001; gnomAD exomes 0.00001.
gnomAD v4.1: 17 of 1,614,120 alleles (0.0011%); highest among the groups gnomAD compares: African/African-American, 0.0027%; no homozygotes.

Submission:

Labcorp Genetics (formerly Invitae), Labcorp
Classification: Uncertain significance for Intellectual disability, autosomal recessive 53. Last evaluated: 2022-06-27. Review status: criteria provided, single submitter. Criteria: Invitae Variant Classification Sherloc (09022015). Collection method: clinical testing. Allele origin: germline.
Comment: In summary, the available evidence is currently insufficient to determine the role of this variant in disease. Therefore, it has been classified as a Variant of Uncertain Significance. Algorithms developed to predict the effect of missense changes on protein structure and function are either unavailable or do not agree on the potential impact of this missense change (SIFT: "Deleterious"; PolyPhen-2: "Benign"; Align-GVGD: "Class C0"). This variant has not been reported in the literature in individuals affected with PIGG-related conditions. This variant is present in population databases (no rsID available, gnomAD 0.0009%). This sequence change replaces threonine, which is neutral and polar, with isoleucine, which is neutral and non-polar, at codon 619 of the PIGG protein (p.Thr619Ile).

NM_001127178.3(PIGG):c.1856C>T (p.Thr619Ile)

Gene: PIGG (phosphatidylinositol glycan anchor biosynthesis class G (EMM blood group); plus strand). Cytogenetic location: 4p16.3.
Variant type: single nucleotide variant.
Coding change: c.1856C>T on transcript NM_001127178.3 (MANE Select); coding-DNA position 1856, C replaced by T.
Protein change: p.Thr619Ile; replaces threonine 619 with isoleucine.
Molecular consequence: missense variant. On other transcripts: non-coding transcript variant (6).
Genome position (GRCh38, 1-based): chr4:523,700, C>T. VCF-style: chr4-523700-C-T. GRCh37 (hg19) VCF-style: chr4-517489-C-T.
Other names: c.1589C>T, p.Thr530Ile (NM_001289051.2, NM_001345986.2); c.1457C>T, p.Thr486Ile (NM_001289052.2); c.1565C>T, p.Thr522Ile (NM_001345987.2); c.827C>T, p.Thr276Ile (NM_001345988.2); c.323C>T, p.Thr108Ile (NM_001345990.2, NM_001345991.2); c.758C>T, p.Thr253Ile (NM_001345994.2); c.1832C>T, p.Thr611Ile (NM_017733.5); short protein forms T530I, T108I, T253I, T276I, T486I, T619I, T522I, T611I.
Identifiers: ClinVar variation 1444261 (VCV001444261.8), dbSNP rs1461812770, ClinGen allele CA355907446.